The following is an entry in ClinVar:

ClinVar aggregate classification (germline): Pathogenic. Review status: reviewed by expert panel (3 of 4 stars). 3 submissions from 3 submitters: Pathogenic (1). 2 of the submissions do not count toward it. Last evaluated 2016-10-18.

Conditions:
Hereditary breast ovarian cancer syndrome. Also called: Hereditary breast and ovarian cancer; Hereditary breast and ovarian cancer syndrome (HBOC); Hereditary breast and/or ovarian cancer syndrome; Breast and ovarian cancer; Hereditary breast and ovarian cancer syndrome; BRCA1- and BRCA2-Associated Hereditary Breast and Ovarian Cancer. Identifiers: Orphanet 145, MedGen C0677776, MeSH D061325, MONDO:0003582. Disease mechanism: loss of function.
Breast-ovarian cancer, familial, susceptibility to, 2 (BROVCA2). Also called: BRCA2 Hereditary Breast and Ovarian Cancer. Identifiers: Orphanet 145, MedGen C2675520, MONDO:0012933, OMIM 612555. Disease mechanism: loss of function.

Submissions (3):

Evidence-based Network for the Interpretation of Germline Mutant Alleles (ENIGMA)
Classification: Pathogenic for Breast-ovarian cancer, familial, susceptibility to, 2. Last evaluated: 2016-10-18. Review status: reviewed by expert panel. Criteria: ENIGMA BRCA1/2 Classification Criteria (2015). Collection method: curation. Allele origin: germline.
Comment: Variant allele predicted to encode a truncated non-functional protein.

Labcorp Genetics (formerly Invitae), Labcorp
Classification: Pathogenic for Hereditary breast ovarian cancer syndrome. Last evaluated: 2022-08-16. Review status: criteria provided, single submitter. Criteria: Invitae Variant Classification Sherloc (09022015). Collection method: clinical testing. Allele origin: germline. Not counted in ClinVar's aggregate classification.
Comment: For these reasons, this variant has been classified as Pathogenic. ClinVar contains an entry for this variant (Variation ID: 266651). This premature translational stop signal has been observed in individual(s) with personal and/or family history of breast and/or ovarian cancer (PMID: 25863477). This variant is not present in population databases (gnomAD no frequency). This sequence change creates a premature translational stop signal (p.Ile558Metfs*13) in the BRCA2 gene. It is expected to result in an absent or disrupted protein product. Loss-of-function variants in BRCA2 are known to be pathogenic (PMID: 20104584).

Consortium of Investigators of Modifiers of BRCA1/2 (CIMBA), c/o University of Cambridge
Classification: Pathogenic for Breast-ovarian cancer, familial, susceptibility to, 2. Last evaluated: 2015-10-02. Review status: criteria provided, single submitter. Criteria: CIMBA Mutation Classification guidelines May 2016. Collection method: clinical testing. Allele origin: germline. Not counted in ClinVar's aggregate classification.

Literature cited by the submitters: PubMed 25863477 (cited by Labcorp Genetics (formerly Invitae), Labcorp); PubMed 20104584 (cited by Labcorp Genetics (formerly Invitae), Labcorp).

NM_000059.4(BRCA2):c.1674_1680del (p.Ile558fs)

Gene: BRCA2 (BRCA2 DNA repair associated; plus strand). Cytogenetic location: 13q13.1.
Variant type: Deletion.
Coding change: c.1674_1680del on transcript NM_000059.4 (MANE Select); coding-DNA positions 1674 to 1680, 7 bases deleted (TGATAAT; older notation c.1674_1680delTGATAAT).
Protein change: p.Ile558fs; shifts the reading frame from isoleucine 558.
Molecular consequence: frameshift variant.
Genome position (GRCh38, 1-based): chr13:32,333,152-32,333,158, TGATAAT deleted; deleting any 7 consecutive bases within chr13:32,333,148-32,333,158 gives the same sequence; the c. name uses the placement nearest the transcript's 3' end. VCF-style (leftmost placement, unchanged base first): chr13-32333147-TTAATTGA-T. GRCh37 (hg19) VCF-style: chr13-32907284-TTAATTGA-T.
Other names: 1902delTGATAAT; short protein forms I558fs.
Identifiers: ClinVar variation 266651 (VCV000266651.10), dbSNP rs886040380, ClinGen allele CA10589110.